The following is an entry in ClinVar:

NM_001366385.1(CARD14):c.1046C>T (p.Ala349Val)

Gene: CARD14 (caspase recruitment domain family member 14; plus strand). Cytogenetic location: 17q25.3.
Variant type: single nucleotide variant.
Coding change: c.1046C>T on transcript NM_001366385.1 (MANE Select); coding-DNA position 1046, C replaced by T.
Protein change: p.Ala349Val; replaces alanine 349 with valine.
Molecular consequence: missense variant. On other transcripts: non-coding transcript variant (1).
Genome position (GRCh38, 1-based): chr17:80,190,856, C>T. VCF-style: chr17-80190856-C-T. GRCh37 (hg19) VCF-style: chr17-78164655-C-T.
Other names: c.1046C>T, p.Ala349Val (NM_024110.4, NM_001257970.1); c.1046C>T (NM_024110.3); c.335C>T, p.Ala112Val (NM_052819.3); short protein forms A349V, A112V.
Identifiers: ClinVar variation 570720 (VCV000570720.11), dbSNP rs770212092, ClinGen allele CA8816628.
Genomic context (GRCh38, chr17:80,190,856, plus strand): 5'-CCCTGCTGCAGTTCCAGAAGAGTAAGATGGCCTGCCAACTCTACAGGGAGAAGGTGAATG[C>T]GCTGCAGGCCCAGGTGTGCGAGCTGCAGAAGGAGCGAGACCAGGTACCTGAGAGGCCGGG-3'
Protein context (NP_001353314.1, residues 339-359): ACQLYREKVN[Ala349Val]LQAQVCELQK

ClinVar aggregate classification (germline): Uncertain significance. Review status: criteria provided, multiple submitters, no conflicts (2 of 4 stars). 2 submissions from 2 submitters: Uncertain significance (2). Last evaluated 2025-12-01.

Conditions:
Inborn genetic diseases. Identifiers: MedGen C0950123, MeSH D030342.
Pityriasis rubra pilaris (PRP). Also called: Pityriasis rubra pilaris--familial type. Identifiers: Orphanet 2897, MedGen C0032027, MONDO:0100017, OMIM 173200, MONDO:0008251.
Psoriasis 2. Identifiers: MedGen C1864497, MONDO:0011269, OMIM 602723.

Allele frequency attached by ClinVar (database versions not stated): ExAC 0.00002; gnomAD exomes 0.00002; gnomAD 0.00003; TOPMed 0.00004.
gnomAD v4.1: 72 of 1,613,902 alleles (0.0045%); highest among the groups gnomAD compares: Middle Eastern, 0.016%; no homozygotes.

Submissions (2):

Labcorp Genetics (formerly Invitae), Labcorp
Classification: Uncertain significance for Pityriasis rubra pilaris; Psoriasis 2. Last evaluated: 2025-12-01. Review status: criteria provided, single submitter. Criteria: Invitae Variant Classification Sherloc (09022015). Collection method: clinical testing. Allele origin: germline.
Comment: This sequence change replaces alanine, which is neutral and non-polar, with valine, which is neutral and non-polar, at codon 349 of the CARD14 protein (p.Ala349Val). This variant is present in population databases (rs770212092, gnomAD 0.006%). This variant has not been reported in the literature in individuals affected with CARD14-related conditions. ClinVar contains an entry for this variant (Variation ID: 570720). Invitae Evidence Modeling of protein sequence and biophysical properties (such as structural, functional, and spatial information, amino acid conservation, physicochemical variation, residue mobility, and thermodynamic stability) indicates that this missense variant is not expected to disrupt CARD14 protein function with a negative predictive value of 95%. In summary, the available evidence is currently insufficient to determine the role of this variant in disease. Therefore, it has been classified as a Variant of Uncertain Significance.

Ambry Genetics
Classification: Uncertain significance for Inborn genetic diseases. Last evaluated: 2023-10-27. Review status: criteria provided, single submitter. Criteria: Ambry Variant Classification Scheme 2023. Collection method: clinical testing. Allele origin: germline.